The following is an entry in ClinVar:

NM_001318510.2(ACSL4):c.44G>A (p.Gly15Glu)

Gene: ACSL4 (acyl-CoA synthetase long chain family member 4; minus strand). Cytogenetic location: Xq23.
Variant type: single nucleotide variant.
Coding change: c.44G>A on transcript NM_001318510.2 (MANE Select); coding-DNA position 44, G replaced by A.
Protein change: p.Gly15Glu; replaces glycine 15 with glutamic acid.
Molecular consequence: missense variant.
Genome position (GRCh38, 1-based): chrX:109,683,320, C>T on the plus strand (G>A on the coding strand, the complement: ACSL4 is on the minus strand). VCF-style: chrX-109683320-C-T. GRCh37 (hg19) VCF-style: chrX-108926549-C-T.
Other names: c.167G>A, p.Gly56Glu (NM_001318509.2, NM_022977.3); c.44G>A, p.Gly15Glu (NM_004458.3); short protein forms G15E, G56E.
Identifiers: ClinVar variation 1313064 (VCV001313064.2), dbSNP rs986713070, ClinGen allele CA334287186.

ClinVar aggregate classification (germline): Uncertain significance (1 of 4 stars; one submission).

Allele frequency attached by ClinVar (database versions not stated): gnomAD exomes below 0.00001; gnomAD 0.00001; TOPMed 0.00001.
gnomAD v4.1: 2 of 1,210,192 alleles (0.00017%); highest among the groups gnomAD compares: Non-Finnish European, 0.00022%; no homozygotes.

Submission:

GeneDx
Classification: Uncertain significance. Last evaluated: 2020-07-13. Review status: criteria provided, single submitter. Criteria: GeneDx Variant Classification Process June 2021. Collection method: clinical testing. Allele origin: germline. Affected: yes.
Comment: Has not been previously published as pathogenic or benign to our knowledge; Not observed in large population cohorts (Lek et al., 2016); In silico analysis supports that this missense variant does not alter protein structure/function; In-silico analysis, is inconclusive as to whether the variant alters gene splicing. In the absence of RNA/functional studies, the actual effect of this sequence change is unknown.